The following is an entry in ClinVar:

ClinVar aggregate classification (germline): Pathogenic/Likely pathogenic. Review status: criteria provided, multiple submitters, no conflicts (2 of 4 stars). 2 submissions from 2 submitters: Pathogenic (1); Likely pathogenic (1). Last evaluated 2018-06-30.

Conditions:
Familial cancer of breast. Also called: hereditary breast carcinoma; BREAST CANCER, FAMILIAL; Hereditary breast cancer. Identifiers: Orphanet 227535, MedGen C0346153, MONDO:0016419, OMIM 114480. Disease mechanism: loss of function.

Submissions (2):

Labcorp Genetics (formerly Invitae), Labcorp
Classification: Pathogenic for Familial cancer of breast. Last evaluated: 2018-06-30. Review status: criteria provided, single submitter. Criteria: Invitae Variant Classification Sherloc (09022015). Collection method: clinical testing. Allele origin: germline.
Comment: For these reasons, this variant has been classified as Pathogenic. Loss-of-function variants in PALB2 are known to be pathogenic (PMID: 17200668, 24136930, 25099575). This variant has not been reported in the literature in individuals with PALB2-related disease. ClinVar contains an entry for this variant (Variation ID: 265553). This variant is not present in population databases (ExAC no frequency). This sequence change creates a premature translational stop signal (p.Leu499*) in the PALB2 gene. It is expected to result in an absent or disrupted protein product.

GeneDx
Classification: Likely pathogenic. Last evaluated: 2016-02-05. Review status: criteria provided, single submitter. Criteria: GeneDx Variant Classification (06012015). Collection method: clinical testing. Allele origin: germline. Affected: yes.
Comment: This variant is denoted PALB2 c.1496T>A at the cDNA level and p.Leu499Ter (L499X) at the proteinlevel. The substitution creates a nonsense variant, which changes a Leucine to a premature stop codon (TTG>TAG) ,and is predicted to cause loss of normal protein function through either protein truncation or nonsense-mediated mRNAdecay. Although this variant has not, to our knowledge, been reported in the literature, it is considered likely pathogenic.

Literature cited by the submitters: PubMed 17200668 (cited by Labcorp Genetics (formerly Invitae), Labcorp); PubMed 24136930 (cited by Labcorp Genetics (formerly Invitae), Labcorp); PubMed 25099575 (cited by Labcorp Genetics (formerly Invitae), Labcorp).

NM_024675.4(PALB2):c.1496T>A (p.Leu499Ter)

Gene: PALB2 (partner and localizer of BRCA2; minus strand). Cytogenetic location: 16p12.2.
Variant type: single nucleotide variant.
Coding change: c.1496T>A on transcript NM_024675.4 (MANE Select); coding-DNA position 1496, T replaced by A.
Protein change: p.Leu499Ter; replaces leucine 499 with a stop codon.
Molecular consequence: nonsense.
Genome position (GRCh38, 1-based): chr16:23,635,050, A>T on the plus strand (T>A on the coding strand, the complement: PALB2 is on the minus strand). VCF-style: chr16-23635050-A-T. GRCh37 (hg19) VCF-style: chr16-23646371-A-T.
Other names: short protein forms L499*.
Identifiers: ClinVar variation 265553 (VCV000265553.9), dbSNP rs886039620, ClinGen allele CA10588610.